The following is an entry in ClinVar:

ClinVar aggregate classification (germline): Pathogenic. Review status: criteria provided, single submitter (1 of 4 stars). 2 submissions from 2 submitters: Pathogenic (1). 1 of the submissions does not count toward it. Last evaluated 2022-10-11.

Conditions:
Arthrogryposis multiplex congenita 3, myogenic type. Also called: ARTHROGRYPOSIS MULTIPLEX CONGENITA, MYOGENIC TYPE. Identifiers: MedGen C5193121, MONDO:0032778, OMIM 618484.
Emery-Dreifuss muscular dystrophy 4, autosomal dominant (EDMD4). Also called: EMERY-DREIFUSS MUSCULAR DYSTROPHY 4 WITH VARIABLE FEATURES. Identifiers: Orphanet 261, MedGen C2751807, MONDO:0013071, OMIM 612998.
Autosomal recessive ataxia, Beauce type. Also called: SYNE1 Deficiency; Spinocerebellar ataxia, autosomal recessive 8; ATAXIA, RECESSIVE, OF BEAUCE; SYNE1-Related Autosomal Recessive Cerebellar Ataxia. Identifiers: Orphanet 88644, MedGen C1853116, MONDO:0012549, OMIM 610743.

Submissions (2):

Labcorp Genetics (formerly Invitae), Labcorp
Classification: Pathogenic for Emery-Dreifuss muscular dystrophy 4, autosomal dominant; Autosomal recessive ataxia, Beauce type. Last evaluated: 2022-10-11. Review status: criteria provided, single submitter. Criteria: Invitae Variant Classification Sherloc (09022015). Collection method: clinical testing. Allele origin: germline.
Comment: This sequence change creates a premature translational stop signal (p.Trp7930Alafs*6) in the SYNE1 gene. It is expected to result in an absent or disrupted protein product. Loss-of-function variants in SYNE1 are known to be pathogenic (PMID: 19542096, 24319099, 27086870). This variant is present in population databases (no rsID available, gnomAD 0.0009%). This variant has not been reported in the literature in individuals affected with SYNE1-related conditions. For these reasons, this variant has been classified as Pathogenic.

Clinical Genetics Laboratory, University Hospital Schleswig-Holstein
Classification: Likely pathogenic for Emery-Dreifuss muscular dystrophy 4, autosomal dominant; Autosomal recessive ataxia, Beauce type; Arthrogryposis multiplex congenita 3, myogenic type. Last evaluated: 2023-05-04. Review status: no assertion criteria provided. Collection method: clinical testing. Allele origin: germline. Affected: yes. Not counted in ClinVar's aggregate classification.

Literature cited by the submitters: PubMed 19542096 (cited by Labcorp Genetics (formerly Invitae), Labcorp); PubMed 24319099 (cited by Labcorp Genetics (formerly Invitae), Labcorp); PubMed 27086870 (cited by Labcorp Genetics (formerly Invitae), Labcorp).

NM_182961.4(SYNE1):c.24001_24002del (p.Trp8001fs)

Gene: SYNE1 (spectrin repeat containing nuclear envelope protein 1; minus strand). Cytogenetic location: 6q25.2.
Variant type: Microsatellite.
Coding change: c.24001_24002del on transcript NM_182961.4 (MANE Select); coding-DNA positions 24001 to 24002, 2 bases deleted (TG; older notation c.24001_24002delTG).
Protein change: p.Trp8001fs; shifts the reading frame from tryptophan 8001.
Molecular consequence: frameshift variant.
Genome position (GRCh38, 1-based): chr6:152,155,019-152,155,020, CA deleted on the plus strand (TG on the coding strand, the reverse complement: SYNE1 is on the minus strand); deleting any 2 consecutive bases within chr6:152,155,019-152,155,022 gives the same sequence; the c. name uses the placement nearest the transcript's 3' end. VCF-style (leftmost placement, unchanged base first): chr6-152155018-CCA-C. GRCh37 (hg19) VCF-style: chr6-152476153-CCA-C.
Other names: c.607_608del, p.Trp203fs (NM_001347701.2); c.466_467del, p.Trp156fs (NM_001347702.2); c.23788_23789del, p.Trp7930fs (NM_033071.5); short protein forms W7930fs, W8001fs, W156fs, W203fs.
Identifiers: ClinVar variation 1985311 (VCV001985311.5), dbSNP rs1167251950, ClinGen allele CA571129259.